The following is an entry in ClinVar:

ClinVar aggregate classification (germline): Uncertain significance (1 of 4 stars; one submission).

Submission:

Labcorp Genetics (formerly Invitae), Labcorp
Classification: Uncertain significance. Last evaluated: 2025-12-30. Review status: criteria provided, single submitter. Criteria: Invitae Variant Classification Sherloc (09022015). Collection method: clinical testing. Allele origin: germline.
Comment: This sequence change replaces serine, which is neutral and polar, with alanine, which is neutral and non-polar, at codon 354 of the DNAH9 protein (p.Ser354Ala). This variant is not present in population databases (gnomAD no frequency). This variant has not been reported in the literature in individuals affected with DNAH9-related conditions. An algorithm developed to predict the effect of missense changes on protein structure and function (PolyPhen-2) suggests that this variant is likely to be tolerated. In summary, the available evidence is currently insufficient to determine the role of this variant in disease. Therefore, it has been classified as a Variant of Uncertain Significance.

NM_001372.4(DNAH9):c.1060T>G (p.Ser354Ala)

Gene: DNAH9 (dynein axonemal heavy chain 9; plus strand). Cytogenetic location: 17p12.
Variant type: single nucleotide variant.
Coding change: c.1060T>G on transcript NM_001372.4 (MANE Select); coding-DNA position 1060, T replaced by G.
Protein change: p.Ser354Ala; replaces serine 354 with alanine.
Molecular consequence: missense variant.
Genome position (GRCh38, 1-based): chr17:11,617,566, T>G. VCF-style: chr17-11617566-T-G. GRCh37 (hg19) VCF-style: chr17-11520883-T-G.
Other names: short protein forms S354A.
Identifiers: ClinVar variation 4734432 (VCV004734432.1).